The following is an entry in ClinVar:

ClinVar aggregate classification (germline): Benign (1 of 4 stars; one submission).

Allele frequency attached by ClinVar (database versions not stated): 1000 Genomes Project 0.10863; 1000 Genomes Project 30x 0.10915; gnomAD 0.12047 and 0.12337; TOPMed 0.12074.
gnomAD v4.1: 18,260 of 152,256 alleles (12%); highest among the groups gnomAD compares: African/African-American, 17%; 1,212 homozygotes.

Submission:

GeneDx
Classification: Benign. Last evaluated: 2018-06-14. Review status: criteria provided, single submitter. Criteria: GeneDx Variant Classification (06012015). Collection method: clinical testing. Allele origin: germline. Affected: yes.
Comment: This variant is considered likely benign or benign based on one or more of the following criteria: it is a conservative change, it occurs at a poorly conserved position in the protein, it is predicted to be benign by multiple in silico algorithms, and/or has population frequency not consistent with disease.

NM_000264.5(PTCH1):c.2561-2115T>G

Genes: PTCH1 (patched 1; minus strand), LOC100507346 (uncharacterized LOC100507346; plus strand). Cytogenetic location: 9q22.32.
Variant type: single nucleotide variant.
Coding change: c.2561-2115T>G on transcript NM_000264.5 (MANE Select); 2115 bases into the intron before coding-DNA position 2561, T replaced by G.
Molecular consequence: intron variant.
Genome position (GRCh38, 1-based): chr9:95,464,113, A>C on the plus strand (T>G on the coding strand, the complement: PTCH1 is on the minus strand). VCF-style: chr9-95464113-A-C. GRCh37 (hg19) VCF-style: chr9-98226395-A-C.
Other names: c.2558-2115T>G (NM_001083603.3); c.2363-2115T>G (NM_001083602.3); c.2405-2115T>G (NM_001354918.2); c.2108-2115T>G (NM_001083605.3, NM_001083604.3, NM_001083606.3 and 1 more transcripts).
Identifiers: ClinVar variation 683966 (VCV000683966.1), dbSNP rs28494679, ClinGen allele CA16368246.